The following is an entry in ClinVar:

ClinVar aggregate classification (germline): Uncertain significance (1 of 4 stars; one submission).

Conditions:
CHARGE syndrome (CHARGE). Also called: Hittner Hirsch Kreh syndrome; CHARGE ASSOCIATION--COLOBOMA, HEART ANOMALY, CHOANAL ATRESIA, RETARDATION, GENITAL AND EAR ANOMALIES; Coloboma, heart anomaly, choanal atresia, retardation, genital and ear anomalies; CHARGE association; Hall-Hittner syndrome. Identifiers: Orphanet 138, MedGen C0265354, MONDO:0008965.

gnomAD v4.1: 2 of 1,613,970 alleles (0.00012%); highest among the groups gnomAD compares: Admixed American, 0.0033%; no homozygotes.

Submission:

Labcorp Genetics (formerly Invitae), Labcorp
Classification: Uncertain significance for CHARGE syndrome. Last evaluated: 2025-12-02. Review status: criteria provided, single submitter. Criteria: Invitae Variant Classification Sherloc (09022015). Collection method: clinical testing. Allele origin: germline.
Comment: This sequence change replaces proline, which is neutral and non-polar, with histidine, which is basic and polar, at codon 2946 of the CHD7 protein (p.Pro2946His). This variant is not present in population databases (gnomAD no frequency). This variant has not been reported in the literature in individuals affected with CHD7-related conditions. ClinVar contains an entry for this variant (Variation ID: 2726096). Invitae Evidence Modeling of protein sequence and biophysical properties (such as structural, functional, and spatial information, amino acid conservation, physicochemical variation, residue mobility, and thermodynamic stability) indicates that this missense variant is not expected to disrupt CHD7 protein function with a negative predictive value of 95%. In summary, the available evidence is currently insufficient to determine the role of this variant in disease. Therefore, it has been classified as a Variant of Uncertain Significance.

NM_017780.4(CHD7):c.8837C>A (p.Pro2946His)

Gene: CHD7 (chromodomain helicase DNA binding protein 7; plus strand). Cytogenetic location: 8q12.2.
Variant type: single nucleotide variant.
Coding change: c.8837C>A on transcript NM_017780.4 (MANE Select); coding-DNA position 8837, C replaced by A.
Protein change: p.Pro2946His; replaces proline 2946 with histidine.
Molecular consequence: missense variant.
Genome position (GRCh38, 1-based): chr8:60,865,776, C>A. VCF-style: chr8-60865776-C-A. GRCh37 (hg19) VCF-style: chr8-61778335-C-A.
Other names: c.2690C>A, p.Pro897His (NM_001316690.1); short protein forms P897H, P2946H.
Identifiers: ClinVar variation 2726096 (VCV002726096.3), dbSNP rs768935496, ClinGen allele CA371312397.